The following is an entry in ClinVar:

ClinVar aggregate classification (germline): Uncertain significance (1 of 4 stars; one submission).

Conditions:
Inborn genetic diseases. Identifiers: MedGen C0950123, MeSH D030342.

Submission:

Ambry Genetics
Classification: Uncertain significance for Inborn genetic diseases. Last evaluated: 2025-03-17. Review status: criteria provided, single submitter. Criteria: Ambry Variant Classification Scheme 2023. Collection method: clinical testing. Allele origin: germline.
Comment: The p.E380Q variant (also known as c.1138G>C), located in coding exon 13 of the FANCA gene, results from a G to C substitution at nucleotide position 1138. The glutamic acid at codon 380 is replaced by glutamine, an amino acid with highly similar properties. This amino acid position is conserved. In addition, the in silico prediction for this alteration is inconclusive. Based on the available evidence, the clinical significance of this variant remains unclear.

NM_000135.4(FANCA):c.1138G>C (p.Glu380Gln)

Gene: FANCA (FA complementation group A; minus strand). Cytogenetic location: 16q24.3.
Variant type: single nucleotide variant.
Coding change: c.1138G>C on transcript NM_000135.4 (MANE Select); coding-DNA position 1138, G replaced by C.
Protein change: p.Glu380Gln; replaces glutamic acid 380 with glutamine.
Molecular consequence: missense variant.
Genome position (GRCh38, 1-based): chr16:89,792,014, C>G on the plus strand (G>C on the coding strand, the complement: FANCA is on the minus strand). VCF-style: chr16-89792014-C-G. GRCh37 (hg19) VCF-style: chr16-89858422-C-G.
Other names: c.1138G>C, p.Glu380Gln (NM_001286167.3); short protein forms E380Q.
Identifiers: ClinVar variation 4022088 (VCV004022088.1).